The following is an entry in ClinVar:

ClinVar aggregate classification (germline): Uncertain significance (1 of 4 stars; one submission).

Conditions:
Dyskeratosis congenita, autosomal dominant 6 (DKCA6). Identifiers: Orphanet 3322, MedGen C4225284, MONDO:0014690, OMIM 616553.

Submission:

Labcorp Genetics (formerly Invitae), Labcorp
Classification: Uncertain significance for Dyskeratosis congenita, autosomal dominant 6. Last evaluated: 2022-12-22. Review status: criteria provided, single submitter. Criteria: Invitae Variant Classification Sherloc (09022015). Collection method: clinical testing. Allele origin: germline.
Comment: In summary, the available evidence is currently insufficient to determine the role of this variant in disease. Therefore, it has been classified as a Variant of Uncertain Significance. This sequence change falls in intron 6 of the ACD gene. It does not directly change the encoded amino acid sequence of the ACD protein. This variant is not present in population databases (gnomAD no frequency). This variant has not been reported in the literature in individuals affected with ACD-related conditions. Algorithms developed to predict the effect of sequence changes on RNA splicing suggest that this variant may create or strengthen a splice site.

NM_001082486.2(ACD):c.494-5C>G

Gene: ACD (ACD shelterin complex subunit and telomerase recruitment factor; minus strand). Cytogenetic location: 16q22.1.
Variant type: single nucleotide variant.
Coding change: c.494-5C>G on transcript NM_001082486.2 (MANE Select); 5 bases into the intron before coding-DNA position 494, C replaced by G.
Molecular consequence: intron variant.
Genome position (GRCh38, 1-based): chr16:67,659,084, G>C on the plus strand (C>G on the coding strand, the complement: ACD is on the minus strand). VCF-style: chr16-67659084-G-C. GRCh37 (hg19) VCF-style: chr16-67692987-G-C.
Other names: c.485-5C>G (NM_022914.3); c.494-5C>G (NM_001410884.1).
Identifiers: ClinVar variation 2823278 (VCV002823278.3), dbSNP rs2543604169, ClinGen allele CA2739266844.